The following is an entry in ClinVar:

NM_021724.5(NR1D1):c.1829G>A (p.Arg610Gln)

Genes: NR1D1 (nuclear receptor subfamily 1 group D member 1; minus strand), THRA (thyroid hormone receptor alpha; plus strand). Cytogenetic location: 17q21.1.
Variant type: single nucleotide variant.
Coding change: c.1829G>A on transcript NM_021724.5 (MANE Select); coding-DNA position 1829, G replaced by A.
Protein change: p.Arg610Gln; replaces arginine 610 with glutamine.
Molecular consequence: missense variant. On other transcripts: intron variant (1).
Genome position (GRCh38, 1-based): chr17:40,093,099, C>T on the plus strand (G>A on the coding strand, the complement: NR1D1 is on the minus strand). VCF-style: chr17-40093099-C-T. GRCh37 (hg19) VCF-style: chr17-38249352-C-T.
Other names: c.1190C>T, p.Pro397Leu (NM_001190919.2, NM_003250.6); c.1111-38C>T (NM_001190918.2); short protein forms P397L, R610Q.
Identifiers: ClinVar variation 3201864 (VCV003201864.3), dbSNP rs752175778, ClinGen allele CA8539343.
Genomic context (GRCh38, chr17:40,093,099, plus strand): 5'-CGATTCTGTACAAGGGGGCAGCGGCAGAAGGCCGGCCGGGCGGGTCACTGGGCGTCCACC[C>T]GGAAGGACAGCAGCTTCTCGGAATGCATGTTGTTCAGGGTCCGCAGGTCCGGCAGCTTGA-3'
Protein context (NP_068370.1, residues 600-614): NMHSEKLLSF[Arg610Gln]VDAQ

ClinVar aggregate classification (germline): Uncertain significance. Review status: criteria provided, multiple submitters, no conflicts (2 of 4 stars). 2 submissions from 2 submitters: Uncertain significance (2). Last evaluated 2025-05-28.

Conditions:
Congenital nongoitrous hypothyroidism 6. Also called: Congenital nongoitrous hypothryoidism 6. Identifiers: Orphanet 97927, MedGen C3280817, MONDO:0013757, OMIM 614450.

Allele frequency attached by ClinVar (database versions not stated): TOPMed below 0.00001; ExAC 0.00001; gnomAD exomes 0.00001.
gnomAD v4.1: 4 of 1,614,096 alleles (0.00025%); highest among the groups gnomAD compares: South Asian, 0.0011%; no homozygotes.

Submissions (2):

Dasa
Classification: Uncertain significance for Congenital nongoitrous hypothyroidism 6. Last evaluated: 2025-05-28. Review status: criteria provided, single submitter. Criteria: DASA Assertion Criteria. Collection method: clinical testing. Allele origin: germline.
Comment: NM_001190919.2(THRA):c.1190C>T (p.Pro397Leu) is a missense variant that results in the substitution of proline with leucine. This variant is rare in population databases. Computational prediction algorithms are consistent with a deleterious effect. The currently available literature and clinical evidence are not sufficient to establish a definitive association between this variant and the reported condition. Therefore, this variant is classified as a variant of uncertain significance.

Ambry Genetics
Classification: Uncertain significance. Last evaluated: 2023-12-27. Review status: criteria provided, single submitter. Criteria: Ambry Variant Classification Scheme 2023. Collection method: clinical testing. Allele origin: germline.